The following is an entry in ClinVar:

NM_152263.4(TPM3):c.854+1G>A

Gene: TPM3 (tropomyosin 3; minus strand). Cytogenetic location: 1q21.3.
Variant type: single nucleotide variant.
Coding change: c.854+1G>A on transcript NM_152263.4 (MANE Select); the canonical splice donor site of the intron after coding-DNA position 854, G replaced by A.
Molecular consequence: splice donor variant. On other transcripts: intron variant (10).
Genome position (GRCh38, 1-based): chr1:154,169,304, C>T on the plus strand (G>A on the coding strand, the complement: TPM3 is on the minus strand). VCF-style: chr1-154169304-C-T. GRCh37 (hg19) VCF-style: chr1-154141780-C-T.
Other names: c.775+1096G>A (NM_001364679.2, NM_001364681.2, NM_001364680.2); c.466+1096G>A (NM_001278188.2); c.664+1096G>A (NM_001043351.2, NM_001043353.2, NM_153649.4 and 1 more transcripts); c.743+1G>A (NM_001349679.2, NM_001278189.2, NM_001364683.1); c.601+1096G>A (NM_001278190.2); c.394+1096G>A (NM_001278191.2); c.854+1G>A (NM_001364682.1).
Identifiers: ClinVar variation 1027780 (VCV001027780.1), dbSNP rs113367027, ClinGen allele CA30767207.

ClinVar aggregate classification (germline): Uncertain significance (1 of 4 stars; one submission).

Conditions:
Congenital myopathy 4B, autosomal recessive. Also called: Nemaline myopathy 1, autosomal dominant or recessive. Identifiers: Orphanet 171433, Orphanet 171439, Orphanet 171881, MedGen C5829889, MONDO:0012239, OMIM 609284.

Submission:

Baylor Genetics
Classification: Uncertain significance for Congenital myopathy 4B, autosomal recessive. Last evaluated: 2019-03-01. Review status: criteria provided, single submitter. Criteria: ACMG Guidelines, 2015. Collection method: clinical testing. Allele origin: maternal. Affected: yes.
Comment: This variant was determined to be of uncertain significance according to ACMG Guidelines, 2015 [PMID:25741868].